The following is an entry in ClinVar:

ClinVar aggregate classification (germline): Uncertain significance. Review status: criteria provided, multiple submitters, no conflicts (2 of 4 stars). 4 submissions from 4 submitters: Uncertain significance (3). 1 of the submissions does not count toward it. Last evaluated 2025-02-07.

Conditions:
Cardiovascular phenotype. Identifiers: MedGen CN230736.
Aortic valve disease 2 (AOVD2). Identifiers: MedGen C3542024, MONDO:0013902, OMIM 614823.
Holt-Oram syndrome (HOS). Also called: Ventriculo-radial syndrome; Cardiac-limb syndrome; Heart-hand syndrome, type 1; TBX5-Related Holt-Oram Syndrome. Identifiers: Orphanet 392, MedGen C0265264, MONDO:0007732, OMIM 142900.
Wolff-Parkinson-White pattern. Also called: WPW SYNDROME; Auriculoventricular accessory pathway syndrome; False bundle branch block syndrome; Anomalous ventricular excitation syndrome. Identifiers: MedGen C0043202, MONDO:0008685, OMIM 194200, HP:0001716.

Allele frequency attached by ClinVar (database versions not stated): gnomAD exomes below 0.00001; gnomAD 0.00001.
gnomAD v4.1: 7 of 1,614,082 alleles (0.00043%); highest among the groups gnomAD compares: Admixed American, 0.0033%; no homozygotes.

Submissions (4):

Ambry Genetics
Classification: Uncertain significance for Cardiovascular phenotype. Last evaluated: 2025-02-07. Review status: criteria provided, single submitter. Criteria: Ambry Variant Classification Scheme 2023. Collection method: clinical testing. Allele origin: germline.
Comment: The p.F206L variant (also known as c.618T>G), located in coding exon 5 of the TBX5 gene, results from a T to G substitution at nucleotide position 618. The phenylalanine at codon 206 is replaced by leucine, an amino acid with highly similar properties. This variant was reported in individual(s) with features consistent with Wolff-Parkinson-White syndrome with cardiomyopathy as well as Brugada syndrome (Coban-Akdemir ZH et al. Am J Med Genet A, 2020 Jun;182:1387-1399; Nieto-Mar&iacute;n P et al. Cardiovasc Res, 2022 Mar;118:1046-1060). This amino acid position is highly conserved in available vertebrate species. In addition, this alteration is predicted to be deleterious by in silico analysis. Based on the available evidence, the clinical significance of this variant remains unclear.

Labcorp Genetics (formerly Invitae), Labcorp
Classification: Uncertain significance for Aortic valve disease 2. Last evaluated: 2024-06-12. Review status: criteria provided, single submitter. Criteria: Invitae Variant Classification Sherloc (09022015). Collection method: clinical testing. Allele origin: germline.
Comment: This sequence change replaces phenylalanine, which is neutral and non-polar, with leucine, which is neutral and non-polar, at codon 206 of the TBX5 protein (p.Phe206Leu). This variant is present in population databases (rs533581420, gnomAD 0.003%). This missense change has been observed in individual(s) with long QT and Brugada syndrome (PMID: 33576403). ClinVar contains an entry for this variant (Variation ID: 487603). Advanced modeling of protein sequence and biophysical properties (such as structural, functional, and spatial information, amino acid conservation, physicochemical variation, residue mobility, and thermodynamic stability) has been performed at Invitae for this missense variant, however the output from this modeling did not meet the statistical confidence thresholds required to predict the impact of this variant on TBX5 protein function. Experimental studies have shown that this missense change affects TBX5 function (PMID: 33576403). In summary, the available evidence is currently insufficient to determine the role of this variant in disease. Therefore, it has been classified as a Variant of Uncertain Significance.

Fulgent Genetics
Classification: Uncertain significance for Holt-Oram syndrome. Last evaluated: 2021-08-14. Review status: criteria provided, single submitter. Criteria: ACMG Guidelines, 2015. Collection method: clinical testing. Allele origin: unknown.

Lupski Lab, Baylor-Hopkins CMG, Baylor College of Medicine
Classification: Uncertain significance for Wolff-Parkinson-White pattern. Last evaluated: 2017-07-14. Review status: no assertion criteria provided. Collection method: research. Allele origin: inherited. Affected: yes. Observed: 1 variant allele. Study: Candidate_variants_in_patients_with_ Wolff-Parkinson-White Syndrome. Not counted in ClinVar's aggregate classification.

Literature cited by the submitters: PubMed 32233023 (cited by Ambry Genetics); PubMed 33576403 (cited by Ambry Genetics and Labcorp Genetics (formerly Invitae), Labcorp).

NM_181486.4(TBX5):c.618T>G (p.Phe206Leu)

Gene: TBX5 (T-box transcription factor 5; minus strand). Cytogenetic location: 12q24.21.
Variant type: single nucleotide variant.
Coding change: c.618T>G on transcript NM_181486.4 (MANE Select); coding-DNA position 618, T replaced by G.
Protein change: p.Phe206Leu; replaces phenylalanine 206 with leucine.
Molecular consequence: missense variant.
Genome position (GRCh38, 1-based): chr12:114,394,786, A>C on the plus strand (T>G on the coding strand, the complement: TBX5 is on the minus strand). VCF-style: chr12-114394786-A-C. GRCh37 (hg19) VCF-style: chr12-114832591-A-C.
Other names: c.618T>G, p.Phe206Leu (NM_000192.3); c.468T>G, p.Phe156Leu (NM_080717.4); short protein forms F206L, F156L.
Identifiers: ClinVar variation 487603 (VCV000487603.5), dbSNP rs533581420, ClinGen allele CA244125839.